The following is an entry in ClinVar:

NM_005245.4(FAT1):c.12438C>T (p.His4146=)

Gene: FAT1 (FAT atypical cadherin 1; minus strand). Cytogenetic location: 4q35.2.
Variant type: single nucleotide variant.
Coding change: c.12438C>T on transcript NM_005245.4 (MANE Select); coding-DNA position 12438, C replaced by T.
Protein change: p.His4146=; no amino-acid change (histidine 4146 retained).
Molecular consequence: synonymous variant.
Genome position (GRCh38, 1-based): chr4:186,597,102, G>A on the plus strand (C>T on the coding strand, the complement: FAT1 is on the minus strand). VCF-style: chr4-186597102-G-A. GRCh37 (hg19) VCF-style: chr4-187518256-G-A.
Identifiers: ClinVar variation 3035995 (VCV003035995.2), dbSNP rs760747643, ClinGen allele CA3164811.

ClinVar aggregate classification (germline): Likely benign (0 of 4 stars; one submission).

Conditions:
FAT1-related disorder. Also called: FAT1-related condition.

gnomAD v4.1: 40 of 1,613,978 alleles (0.0025%); highest among the groups gnomAD compares: South Asian, 0.021%; no homozygotes.

Submission:

PreventionGenetics, part of Exact Sciences
Classification: Likely benign for FAT1-related condition. Last evaluated: 2023-03-10. Review status: no assertion criteria provided. Collection method: clinical testing. Allele origin: germline.
Comment: This variant is classified as likely benign based on ACMG/AMP sequence variant interpretation guidelines (Richards et al. 2015 PMID: 25741868, with internal and published modifications).